The following is an entry in ClinVar:

NM_000553.6(WRN):c.1441A>G (p.Asn481Asp)

Gene: WRN (WRN RecQ like helicase; plus strand). Cytogenetic location: 8p12.
Variant type: single nucleotide variant.
Coding change: c.1441A>G on transcript NM_000553.6 (MANE Select); coding-DNA position 1441, A replaced by G.
Protein change: p.Asn481Asp; replaces asparagine 481 with aspartic acid.
Molecular consequence: missense variant.
Genome position (GRCh38, 1-based): chr8:31,087,785, A>G. VCF-style: chr8-31087785-A-G. GRCh37 (hg19) VCF-style: chr8-30945301-A-G.
Other names: short protein forms N481D.
Identifiers: ClinVar variation 2085226 (VCV002085226.4), dbSNP rs2535923944, ClinGen allele CA370924235.

ClinVar aggregate classification (germline): Uncertain significance (1 of 4 stars; one submission).

Conditions:
Werner syndrome (WRN). Identifiers: Orphanet 902, MedGen C0043119, MONDO:0010196, OMIM 277700.

Submission:

Labcorp Genetics (formerly Invitae), Labcorp
Classification: Uncertain significance for Werner syndrome. Last evaluated: 2022-03-04. Review status: criteria provided, single submitter. Criteria: Invitae Variant Classification Sherloc (09022015). Collection method: clinical testing. Allele origin: germline.
Comment: In summary, the available evidence is currently insufficient to determine the role of this variant in disease. Therefore, it has been classified as a Variant of Uncertain Significance. Algorithms developed to predict the effect of missense changes on protein structure and function output the following: SIFT: "Not Available"; PolyPhen-2: "Benign"; Align-GVGD: "Not Available". The aspartic acid amino acid residue is found in multiple mammalian species, which suggests that this missense change does not adversely affect protein function. This variant has not been reported in the literature in individuals affected with WRN-related conditions. This variant is not present in population databases (gnomAD no frequency). This sequence change replaces asparagine, which is neutral and polar, with aspartic acid, which is acidic and polar, at codon 481 of the WRN protein (p.Asn481Asp).